The following is an entry in ClinVar:

ClinVar aggregate classification (germline): Uncertain significance (1 of 4 stars; one submission).

Conditions:
Autosomal recessive limb-girdle muscular dystrophy type 2O. Also called: Limb-Girdle Muscular Dystrophy Type 3C; MUSCULAR DYSTROPHY-DYSTROGLYCANOPATHY (LIMB-GIRDLE), TYPE C, 3; MUSCULAR DYSTROPHY-DYSTROGLYCANOPATHY, LIMB-GIRDLE, POMGNT1-RELATED. Identifiers: Orphanet 206564, MedGen C3150417, MONDO:0013161, OMIM 613157.
Muscular dystrophy-dystroglycanopathy (congenital with impaired intellectual development), type B, 3. Also called: Muscular dystrophy-dystroglycanopathy (congenital with intellectual disability), type B3; MUSCULAR DYSTROPHY, CONGENITAL, POMGNT1-RELATED. Identifiers: MedGen C3150412, MONDO:0013155, OMIM 613151.

Submission:

Labcorp Genetics (formerly Invitae), Labcorp
Classification: Uncertain significance for Autosomal recessive limb-girdle muscular dystrophy type 2O; Muscular dystrophy-dystroglycanopathy (congenital with impaired intellectual development), type B, 3. Last evaluated: 2022-10-25. Review status: criteria provided, single submitter. Criteria: Invitae Variant Classification Sherloc (09022015). Collection method: clinical testing. Allele origin: germline.
Comment: A copy number gain of the genomic region encompassing the full coding sequence of the POMGNT1 gene has been identified. The boundaries of this event are unknown as they extend beyond the assayed region for this gene and therefore may encompass additional genes. As the precise location of this event is unknown, it may be in tandem or it may be located elsewhere in the genome. This variant has not been reported in the literature in individuals affected with POMGNT1-related conditions. In summary, the available evidence is currently insufficient to determine the role of this variant in disease. Therefore, it has been classified as a Variant of Uncertain Significance.

NC_000001.10:g.(?_46654942)_(46663493_?)dup

Gene: POMGNT1 (protein O-linked mannose N-acetylglucosaminyltransferase 1 (beta 1,2-); minus strand). Cytogenetic location: 1p34.1.
Variant type: Duplication.
Identifiers: ClinVar variation 1444673 (VCV001444673.6).